The following is an entry in ClinVar:

ClinVar aggregate classification (germline): Conflicting classifications of pathogenicity. Review status: criteria provided, conflicting classifications (1 of 4 stars). 9 submissions from 9 submitters: Uncertain significance (2); Benign (1); Likely benign (6). Last evaluated 2026-01-07.

Conditions:
Hereditary cancer-predisposing syndrome. Also called: Neoplastic Syndromes, Hereditary; Tumor predisposition; Hereditary Cancer Syndrome; Hereditary neoplastic syndrome. Identifiers: Orphanet 140162, MedGen C0027672, MeSH D009386, MONDO:0015356.
Tuberous sclerosis syndrome (TSC). Also called: Tuberous sclerosis; Tuberous Sclerosis Complex. Identifiers: Orphanet 805, MedGen C0041341, MONDO:0001734.
Tuberous sclerosis 2 (TSC2). Identifiers: Orphanet 805, MedGen C1860707, MONDO:0013199, OMIM 613254.

Allele frequency attached by ClinVar (database versions not stated): gnomAD 0.00001 and 0.00003; gnomAD exomes 0.00002; TOPMed 0.00002.
gnomAD v4.1: 34 of 1,614,048 alleles (0.0021%); highest among the groups gnomAD compares: Non-Finnish European, 0.0029%; no homozygotes.

Submissions (9):

Labcorp Genetics (formerly Invitae), Labcorp
Classification: Likely benign for Tuberous sclerosis 2. Last evaluated: 2026-01-07. Review status: criteria provided, single submitter. Criteria: Invitae Variant Classification Sherloc (09022015). Collection method: clinical testing. Allele origin: germline.

Myriad Genetics, Inc.
Classification: Benign for Tuberous sclerosis 2. Last evaluated: 2025-05-07. Review status: criteria provided, single submitter. Criteria: Myriad Autosomal Dominant, Autosomal Recessive and X-Linked Classification Criteria (2023). Collection method: clinical testing. Allele origin: unknown.
Comment: This variant is considered benign. This variant is a silent/synonymous amino acid change and it is not expected to impact splicing.

All of Us Research Program, National Institutes of Health
Classification: Likely benign for Tuberous sclerosis syndrome. Last evaluated: 2024-08-23. Review status: criteria provided, single submitter. Criteria: ACMG Guidelines, 2015. Collection method: clinical testing. Allele origin: germline. Inheritance: Autosomal dominant inheritance. Observed: 8 variant alleles, 8 heterozygotes.
Comment: This study involves interpretation of variants in research participants for the purpose of population health screening. Participant phenotype was not available at the time of variant classification. Additional details can be found in publication PMID: 35346344, PMCID: PMC8962531

CeGaT Center for Human Genetics Tuebingen
Classification: Uncertain significance. Last evaluated: 2024-05-01. Review status: criteria provided, single submitter. Criteria: CeGaT Center For Human Genetics Tuebingen Variant Classification Criteria Version 2. Collection method: clinical testing. Allele origin: germline. Affected: yes. Observed: 1 variant allele.
Comment: TSC2: PM2

Color Diagnostics, LLC DBA Color Health
Classification: Likely benign for Tuberous sclerosis syndrome. Last evaluated: 2022-09-12. Review status: criteria provided, single submitter. Criteria: ACMG Guidelines, 2015. Collection method: clinical testing. Allele origin: germline.

Genome-Nilou Lab
Classification: Likely benign for Tuberous sclerosis 2. Last evaluated: 2021-11-07. Review status: criteria provided, single submitter. Criteria: ACMG Guidelines, 2015. Collection method: clinical testing. Allele origin: germline. Affected: no.

GeneDx
Classification: Likely benign. Last evaluated: 2021-02-07. Review status: criteria provided, single submitter. Criteria: GeneDx Variant Classification Process June 2021. Collection method: clinical testing. Allele origin: germline. Affected: yes.

Ambry Genetics
Classification: Likely benign for Hereditary cancer-predisposing syndrome. Last evaluated: 2017-06-22. Review status: criteria provided, single submitter. Criteria: Ambry Variant Classification Scheme 2023. Collection method: clinical testing. Allele origin: germline.

Eurofins Ntd Llc (ga)
Classification: Uncertain significance. Last evaluated: 2015-01-02. Review status: criteria provided, single submitter. Criteria: EGL Classification Definitions 2015. Collection method: clinical testing. Allele origin: germline. Observed: 1 variant allele, 1 heterozygote.

NM_000548.5(TSC2):c.493C>T (p.Leu165=)

Gene: TSC2 (TSC complex subunit 2; plus strand). Cytogenetic location: 16p13.3.
Variant type: single nucleotide variant.
Coding change: c.493C>T on transcript NM_000548.5 (MANE Select); coding-DNA position 493, C replaced by T.
Protein change: p.Leu165=; no amino-acid change (leucine 165 retained).
Molecular consequence: synonymous variant. On other transcripts: intron variant (1).
Genome position (GRCh38, 1-based): chr16:2,055,413, C>T. VCF-style: chr16-2055413-C-T. GRCh37 (hg19) VCF-style: chr16-2105414-C-T.
Other names: c.493C>T, p.Leu165= (NM_001077183.3, NM_001114382.3, NM_001363528.2 and 3 more transcripts); c.382C>T, p.Leu128= (NM_001318827.2); c.346C>T, p.Leu116= (NM_001318829.2); c.526C>T, p.Leu176= (NM_001318832.2); c.-1-783C>T (NM_001318831.2).
Identifiers: ClinVar variation 198098 (VCV000198098.46), dbSNP rs758521946, ClinGen allele CA021361.